The following is an entry in ClinVar:

NM_133496.5(SLC30A7):c.172T>A (p.Trp58Arg)

Gene: SLC30A7 (solute carrier family 30 member 7; plus strand). Cytogenetic location: 1p21.2.
Variant type: single nucleotide variant.
Coding change: c.172T>A on transcript NM_133496.5 (MANE Select); coding-DNA position 172, T replaced by A.
Protein change: p.Trp58Arg; replaces tryptophan 58 with arginine.
Molecular consequence: missense variant.
Genome position (GRCh38, 1-based): chr1:100,896,661, T>A. VCF-style: chr1-100896661-T-A. GRCh37 (hg19) VCF-style: chr1-101362217-T-A.
Other names: c.172T>A, p.Trp58Arg (NM_001144884.2); c.172T>A (NM_133496.4); short protein forms W58R.
Identifiers: ClinVar variation 3016915 (VCV003016915.4), dbSNP rs769981713, ClinGen allele CA971989.

ClinVar aggregate classification (germline): Uncertain significance. Review status: criteria provided, multiple submitters, no conflicts (2 of 4 stars). 2 submissions from 2 submitters: Uncertain significance (2). Last evaluated 2025-02-05.

gnomAD v4.1: 5 of 1,613,792 alleles (0.00031%); highest among the groups gnomAD compares: Admixed American, 0.0083%; no homozygotes.

Submissions (2):

Ambry Genetics
Classification: Uncertain significance. Last evaluated: 2025-02-05. Review status: criteria provided, single submitter. Criteria: Ambry Variant Classification Scheme 2023. Collection method: clinical testing. Allele origin: germline.

Labcorp Genetics (formerly Invitae), Labcorp
Classification: Uncertain significance. Last evaluated: 2023-10-22. Review status: criteria provided, single submitter. Criteria: Invitae Variant Classification Sherloc (09022015). Collection method: clinical testing. Allele origin: germline.
Comment: This sequence change replaces tryptophan, which is neutral and slightly polar, with arginine, which is basic and polar, at codon 58 of the SLC30A7 protein (p.Trp58Arg). This variant is present in population databases (rs769981713, gnomAD 0.009%). This variant has not been reported in the literature in individuals affected with SLC30A7-related conditions. An algorithm developed to predict the effect of missense changes on protein structure and function (PolyPhen-2) suggests that this variant is likely to be disruptive. In summary, the available evidence is currently insufficient to determine the role of this variant in disease. Therefore, it has been classified as a Variant of Uncertain Significance.